The following is an entry in ClinVar:

NM_001458.5(FLNC):c.4711G>A (p.Glu1571Lys)

Gene: FLNC (filamin C; plus strand). Cytogenetic location: 7q32.1.
Variant type: single nucleotide variant.
Coding change: c.4711G>A on transcript NM_001458.5 (MANE Select); coding-DNA position 4711, G replaced by A.
Protein change: p.Glu1571Lys; replaces glutamic acid 1571 with lysine.
Molecular consequence: missense variant.
Genome position (GRCh38, 1-based): chr7:128,848,691, G>A. VCF-style: chr7-128848691-G-A. GRCh37 (hg19) VCF-style: chr7-128488745-G-A.
Other names: c.4711G>A (NM_001458.4); c.4711G>A, p.Glu1571Lys (NM_001127487.2); short protein forms E1571K.
Identifiers: ClinVar variation 1405614 (VCV001405614.14), dbSNP rs761793156, ClinGen allele CA4475427.
Genomic context (GRCh38, chr7:128,848,691, plus strand): 5'-GCCTCTGGCATCCCTGCCAGCCTGCCTGTGGAGTTCACCATCGACGCACGGGACGCGGGC[G>A]AGGGGTTGCTCACTGTCCAGATCTTGGTGAGTCTCTGTGCATCCCACCCCGCAGGTCATG-3'
Protein context (NP_001449.3, residues 1561-1581): EFTIDARDAG[Glu1571Lys]GLLTVQILDP

ClinVar aggregate classification (germline): Conflicting classifications of pathogenicity. Review status: criteria provided, conflicting classifications (1 of 4 stars). 5 submissions from 5 submitters: Uncertain significance (4); Likely benign (1). Last evaluated 2025-06-27.

Conditions:
Cardiovascular phenotype. Identifiers: MedGen CN230736.
Myofibrillar myopathy 5. Also called: Filaminopathy (type); FILAMINOPATHY, AUTOSOMAL DOMINANT. Identifiers: Orphanet 171445, MedGen C1836050, MONDO:0012289, OMIM 609524.
Distal myopathy with posterior leg and anterior hand involvement. Also called: WILLIAMS DISTAL MYOPATHY. Identifiers: Orphanet 63273, MedGen C3279722, MONDO:0013550, OMIM 614065.
Hypertrophic cardiomyopathy 26. Also called: Cardiomyopathy, familial hypertrophic, 26. Identifiers: Orphanet 75249, MedGen C4310749, MONDO:0014883, OMIM 617047.

Allele frequency attached by ClinVar (database versions not stated): TOPMed below 0.00001; ExAC 0.00002; gnomAD exomes 0.00002.
gnomAD v4.1: 27 of 1,613,446 alleles (0.0017%); highest among the groups gnomAD compares: East Asian, 0.013%; 1 homozygote.

Submissions (5):

Labcorp Genetics (formerly Invitae), Labcorp
Classification: Likely benign for Distal myopathy with posterior leg and anterior hand involvement; Myofibrillar myopathy 5; Hypertrophic cardiomyopathy 26. Last evaluated: 2025-06-27. Review status: criteria provided, single submitter. Criteria: Invitae Variant Classification Sherloc (09022015). Collection method: clinical testing. Allele origin: germline.

GeneDx
Classification: Uncertain significance. Last evaluated: 2023-11-14. Review status: criteria provided, single submitter. Criteria: GeneDx Variant Classification Process June 2021. Collection method: clinical testing. Allele origin: germline. Affected: yes.
Comment: Not observed at significant frequency in large population cohorts (gnomAD); In silico analysis supports that this missense variant has a deleterious effect on protein structure/function; Has not been previously published in association with FLNC-related disorders to our knowledge; This variant is associated with the following publications: (PMID: 26555887)

Ambry Genetics
Classification: Uncertain significance for Cardiovascular phenotype. Last evaluated: 2023-08-21. Review status: criteria provided, single submitter. Criteria: Ambry Variant Classification Scheme 2023. Collection method: clinical testing. Allele origin: germline.
Comment: The p.E1571K variant (also known as c.4711G>A), located in coding exon 27 of the FLNC gene, results from a G to A substitution at nucleotide position 4711. The glutamic acid at codon 1571 is replaced by lysine, an amino acid with similar properties. This variant has been detected in a frontotemporal dementia cohort (Janssens J et al. Acta Neuropathol Commun, 2015 Nov;3:68). This amino acid position is well conserved in available vertebrate species. In addition, this alteration is predicted to be tolerated by in silico analysis. Since supporting evidence is limited at this time, the clinical significance of this alteration remains unclear.

Blueprint Genetics
Classification: Uncertain significance. Last evaluated: 2023-02-09. Review status: criteria provided, single submitter. Criteria: ACMG Guidelines, 2015. Collection method: clinical testing. Allele origin: germline.

Revvity Omics, Revvity
Classification: Uncertain significance. Last evaluated: 2022-03-30. Review status: criteria provided, single submitter. Criteria: ACMG Guidelines, 2015. Collection method: clinical testing. Allele origin: germline.

Literature cited by the submitters: PubMed 26555887 (cited by Ambry Genetics).